The following is an entry in ClinVar:

NM_014989.7(RIMS1):c.3195-1G>T

Gene: RIMS1 (regulating synaptic membrane exocytosis 1; plus strand). Cytogenetic location: 6q13.
Variant type: single nucleotide variant.
Coding change: c.3195-1G>T on transcript NM_014989.7 (MANE Select); the canonical splice acceptor site of the intron before coding-DNA position 3195, G replaced by T.
Molecular consequence: splice acceptor variant. On other transcripts: intron variant (62).
Genome position (GRCh38, 1-based): chr6:72,265,389, G>T. VCF-style: chr6-72265389-G-T. GRCh37 (hg19) VCF-style: chr6-72975092-G-T.
Other names: c.1535+4622G>T (NM_001350432.2, NM_001350454.2, NM_001350449.2); c.1473-571G>T (NM_001350435.2); c.1472+6278G>T (NM_001350447.2, NM_001350440.2, NM_001350444.2 and 2 more transcripts); c.1539-571G>T (NM_001350452.2, NM_001350433.2, NM_001350446.2 and 8 more transcripts); c.1470-571G>T (NM_001350462.2, NM_001350428.2, NM_001350459.2 and 1 more transcripts); c.1296-571G>T (NM_001350469.2, NM_001168409.2, NM_001350466.2 and 2 more transcripts); c.1232+6278G>T (NM_001350467.2); c.1293-571G>T (NM_001350461.2, NM_001350463.2); and 14 more.
Identifiers: ClinVar variation 3634962 (VCV003634962.2).

ClinVar aggregate classification (germline): Uncertain significance (1 of 4 stars; one submission).

Submission:

Labcorp Genetics (formerly Invitae), Labcorp
Classification: Uncertain significance. Last evaluated: 2024-05-13. Review status: criteria provided, single submitter. Criteria: Invitae Variant Classification Sherloc (09022015). Collection method: clinical testing. Allele origin: germline.
Comment: This sequence change affects an acceptor splice site in intron 20 of the RIMS1 gene. It is expected to disrupt RNA splicing. Variants that disrupt the donor or acceptor splice site typically lead to a loss of protein function (PMID: 16199547), however the current clinical and genetic evidence is not sufficient to establish whether loss-of-function variants in RIMS1 cause disease. This variant is not present in population databases (gnomAD no frequency). This variant has not been reported in the literature in individuals affected with RIMS1-related conditions. Algorithms developed to predict the effect of sequence changes on RNA splicing suggest that this variant may create or strengthen a splice site. In summary, the available evidence is currently insufficient to determine the role of this variant in disease. Therefore, it has been classified as a Variant of Uncertain Significance.

Literature cited by the submitters: PubMed 16199547.